The following is an entry in ClinVar:

ClinVar aggregate classification (germline): Uncertain significance (1 of 4 stars; one submission).

Submission:

Labcorp Genetics (formerly Invitae), Labcorp
Classification: Uncertain significance. Last evaluated: 2022-02-10. Review status: criteria provided, single submitter. Criteria: Invitae Variant Classification Sherloc (09022015). Collection method: clinical testing. Allele origin: germline.
Comment: Algorithms developed to predict the effect of missense changes on protein structure and function are either unavailable or do not agree on the potential impact of this missense change (SIFT: "Deleterious"; PolyPhen-2: "Possibly Damaging"; Align-GVGD: "Class C0"). ClinVar contains an entry for this variant (Variation ID: 1021002). This variant has not been reported in the literature in individuals affected with PRPF8-related conditions. This variant is not present in population databases (gnomAD no frequency). This sequence change replaces tyrosine, which is neutral and polar, with cysteine, which is neutral and slightly polar, at codon 2062 of the PRPF8 protein (p.Tyr2062Cys). Algorithms developed to predict the effect of sequence changes on RNA splicing suggest that this variant may create or strengthen a splice site. In summary, the available evidence is currently insufficient to determine the role of this variant in disease. Therefore, it has been classified as a Variant of Uncertain Significance.

NM_006445.4(PRPF8):c.6185A>G (p.Tyr2062Cys)

Gene: PRPF8 (pre-mRNA processing factor 8; minus strand). Cytogenetic location: 17p13.3.
Variant type: single nucleotide variant.
Coding change: c.6185A>G on transcript NM_006445.4 (MANE Select); coding-DNA position 6185, A replaced by G.
Protein change: p.Tyr2062Cys; replaces tyrosine 2062 with cysteine.
Molecular consequence: missense variant.
Genome position (GRCh38, 1-based): chr17:1,653,819, T>C on the plus strand (A>G on the coding strand, the complement: PRPF8 is on the minus strand). VCF-style: chr17-1653819-T-C. GRCh37 (hg19) VCF-style: chr17-1557113-T-C.
Other names: short protein forms Y2062C.
Identifiers: ClinVar variation 1021002 (VCV001021002.5), dbSNP rs1911208942, ClinGen allele CA397567099.